The following is an entry in ClinVar:

ClinVar aggregate classification (germline): Uncertain significance. Review status: criteria provided, multiple submitters, no conflicts (2 of 4 stars). 2 submissions from 2 submitters: Uncertain significance (2). Last evaluated 2026-04-20.

Conditions:
Peroxisome biogenesis disorder, complementation group 7 (CG7). Also called: Peroxisome biogenesis disorder, complementation group B. Identifiers: MedGen C1864399.
Peroxisome biogenesis disorder. Identifiers: Orphanet 79189, MedGen C1832200, MONDO:0019234. Disease mechanism: loss of function.

Allele frequency attached by ClinVar (database versions not stated): ExAC 0.00001; gnomAD 0.00001; gnomAD exomes 0.00001 and 0.00002; TOPMed 0.00002.

Submissions (2):

Myriad Genetics, Inc.
Classification: Uncertain significance for Peroxisome biogenesis disorder. Last evaluated: 2026-04-20. Review status: criteria provided, single submitter. Criteria: Myriad Autosomal Dominant, Autosomal Recessive and X-Linked Classification Criteria (2023). Collection method: clinical testing. Allele origin: unknown.
Comment: NM_153818.1(PEX10):c.344A>G(Q115R) is a missense variant classified as a variant of uncertain significance in the context of peroxisome biogenesis disorder type 6. Q115R has not been observed in cases with relevant disease. Relevant functional assessments of this variant are not available in the literature. Q115R has been observed in referenced population frequency databases. In summary, there is insufficient evidence to classify NM_153818.1(PEX10):c.344A>G(Q115R) as pathogenic or benign. Please note: this variant was assessed in the context of healthy population screening.

Labcorp Genetics (formerly Invitae), Labcorp
Classification: Uncertain significance for Peroxisome biogenesis disorder, complementation group 7. Last evaluated: 2022-05-31. Review status: criteria provided, single submitter. Criteria: Invitae Variant Classification Sherloc (09022015). Collection method: clinical testing. Allele origin: germline.
Comment: This sequence change replaces glutamine, which is neutral and polar, with arginine, which is basic and polar, at codon 115 of the PEX10 protein (p.Gln115Arg). This variant is present in population databases (rs778031802, gnomAD 0.002%). This variant has not been reported in the literature in individuals affected with PEX10-related conditions. ClinVar contains an entry for this variant (Variation ID: 1508748). Algorithms developed to predict the effect of missense changes on protein structure and function (SIFT, PolyPhen-2, Align-GVGD) all suggest that this variant is likely to be tolerated. In summary, the available evidence is currently insufficient to determine the role of this variant in disease. Therefore, it has been classified as a Variant of Uncertain Significance.

NM_002617.4(PEX10):c.344A>G (p.Gln115Arg)

Gene: PEX10 (peroxisomal biogenesis factor 10; minus strand). Cytogenetic location: 1p36.32.
Variant type: single nucleotide variant.
Coding change: c.344A>G on transcript NM_002617.4 (MANE Select); coding-DNA position 344, A replaced by G.
Protein change: p.Gln115Arg; replaces glutamine 115 with arginine.
Molecular consequence: missense variant. On other transcripts: 5 prime UTR variant (2), non-coding transcript variant (1).
Genome position (GRCh38, 1-based): chr1:2,408,708, T>C on the plus strand (A>G on the coding strand, the complement: PEX10 is on the minus strand). VCF-style: chr1-2408708-T-C. GRCh37 (hg19) VCF-style: chr1-2340147-T-C.
Other names: c.344A>G, p.Gln115Arg (NM_001374425.1, NM_153818.2); c.-89A>G (NM_001374426.1, NM_001374427.1); short protein forms Q115R.
Identifiers: ClinVar variation 1508748 (VCV001508748.6), dbSNP rs778031802, ClinGen allele CA538204.